The following is an entry in ClinVar:

NM_172364.5(CACNA2D4):c.526G>A (p.Glu176Lys)

Gene: CACNA2D4 (calcium voltage-gated channel auxiliary subunit alpha2delta 4; minus strand). Cytogenetic location: 12p13.33.
Variant type: single nucleotide variant.
Coding change: c.526G>A on transcript NM_172364.5 (MANE Select); coding-DNA position 526, G replaced by A.
Protein change: p.Glu176Lys; replaces glutamic acid 176 with lysine.
Molecular consequence: missense variant.
Genome position (GRCh38, 1-based): chr12:1,907,998, C>T on the plus strand (G>A on the coding strand, the complement: CACNA2D4 is on the minus strand). VCF-style: chr12-1907998-C-T. GRCh37 (hg19) VCF-style: chr12-2017164-C-T.
Other names: short protein forms E176K.
Identifiers: ClinVar variation 1414735 (VCV001414735.8), dbSNP rs568920380, ClinGen allele CA6387487.
Genomic context (GRCh38, chr12:1,907,998, plus strand): 5'-TGAAGTGAGCATTGGACTCCAGGAGGAACTCGGCGCCCAGCTCCACGAAGTTGCCCTTCT[C>T]GTCCCTCTCGTTGATCAGGACCGAGTTGTAATAGTCGAACTGGGGTGGACGGGTGAGGCC-3'
Protein context (NP_758952.4, residues 166-186): YNSVLINERD[Glu176Lys]KGNFVELGAE

ClinVar aggregate classification (germline): Uncertain significance (1 of 4 stars; one submission).

Allele frequency attached by ClinVar (database versions not stated): gnomAD 0.00004 and 0.00005; 1000 Genomes Project 30x 0.00016; 1000 Genomes Project 0.00020.

Submission:

Labcorp Genetics (formerly Invitae), Labcorp
Classification: Uncertain significance. Last evaluated: 2025-04-11. Review status: criteria provided, single submitter. Criteria: Invitae Variant Classification Sherloc (09022015). Collection method: clinical testing. Allele origin: germline.
Comment: This sequence change replaces glutamic acid, which is acidic and polar, with lysine, which is basic and polar, at codon 176 of the CACNA2D4 protein (p.Glu176Lys). This variant is present in population databases (rs568920380, gnomAD 0.03%). This variant has not been reported in the literature in individuals affected with CACNA2D4-related conditions. ClinVar contains an entry for this variant (Variation ID: 1414735). An algorithm developed to predict the effect of missense changes on protein structure and function (PolyPhen-2) suggests that this variant is likely to be tolerated. In summary, the available evidence is currently insufficient to determine the role of this variant in disease. Therefore, it has been classified as a Variant of Uncertain Significance.